The following is an entry in ClinVar:

NM_025114.4(CEP290):c.3982del (p.Leu1328fs)

Gene: CEP290 (centrosomal protein 290; minus strand). Cytogenetic location: 12q21.32.
Variant type: Deletion.
Coding change: c.3982del on transcript NM_025114.4 (MANE Select); coding-DNA position 3982, one base deleted (C; older notation c.3982delC).
Protein change: p.Leu1328fs; shifts the reading frame from leucine 1328.
Molecular consequence: frameshift variant.
Genome position (GRCh38, 1-based): chr12:88,089,079, G deleted on the plus strand (C on the coding strand, the reverse complement: CEP290 is on the minus strand); the first of 2 consecutive G bases (chr12:88,089,079-88,089,080); deleting either gives the same sequence. VCF-style (leftmost placement, unchanged base first): chr12-88089078-AG-A. GRCh37 (hg19) VCF-style: chr12-88482855-AG-A.
Other names: short protein forms L1328fs.
Identifiers: ClinVar variation 3753148 (VCV003753148.2).

ClinVar aggregate classification (germline): Pathogenic (1 of 4 stars; one submission).

Conditions:
Joubert syndrome. Also called: CEREBELLOPARENCHYMAL DISORDER IV; JOUBERT-BOLTSHAUSER SYNDROME; Familial aplasia of the vermis. Identifiers: Orphanet 475, MedGen C5979921, MONDO:0018772.
Nephronophthisis. Also called: Juvenile Nephronophthisis. Identifiers: Orphanet 655, MedGen C0687120, MONDO:0019005, HP:0000090.
Meckel-Gruber syndrome. Also called: DYSENCEPHALIA SPLANCHNOCYSTICA; GRUBER SYNDROME; Dysencephalia splachnocystica. Identifiers: Orphanet 564, MedGen C0265215, MONDO:0018921.

Submission:

Labcorp Genetics (formerly Invitae), Labcorp
Classification: Pathogenic for Joubert syndrome; Meckel-Gruber syndrome; Nephronophthisis. Last evaluated: 2024-08-31. Review status: criteria provided, single submitter. Criteria: Invitae Variant Classification Sherloc (09022015). Collection method: clinical testing. Allele origin: germline.
Comment: This sequence change creates a premature translational stop signal (p.Leu1328Trpfs*4) in the CEP290 gene. It is expected to result in an absent or disrupted protein product. Loss-of-function variants in CEP290 are known to be pathogenic (PMID: 16909394, 17345604, 20690115). This variant is not present in population databases (gnomAD no frequency). This variant has not been reported in the literature in individuals affected with CEP290-related conditions. For these reasons, this variant has been classified as Pathogenic.

Literature cited by the submitters: PubMed 16909394; PubMed 17345604; PubMed 20690115.